The following is an entry in ClinVar:

ClinVar aggregate classification (germline): Benign/Likely benign. Review status: criteria provided, multiple submitters, no conflicts (2 of 4 stars). 4 submissions from 4 submitters: Benign (2); Likely benign (2). Last evaluated 2025-08-15.

Allele frequency attached by ClinVar (database versions not stated): gnomAD exomes 0.00015; ExAC 0.00036; ESP Exome Variant Server 0.00040; TOPMed 0.00043; gnomAD 0.00049; 1000 Genomes Project 30x 0.00109; 1000 Genomes Project 0.00140.
gnomAD v4.1: 193 of 1,601,568 alleles (0.012%); highest among the groups gnomAD compares: African/African-American, 0.19%; no homozygotes.

Submissions (4):

Labcorp Genetics (formerly Invitae), Labcorp
Classification: Benign. Last evaluated: 2025-08-15. Review status: criteria provided, single submitter. Criteria: Invitae Variant Classification Sherloc (09022015). Collection method: clinical testing. Allele origin: germline.

CeGaT Center for Human Genetics Tuebingen
Classification: Likely benign. Last evaluated: 2024-07-01. Review status: criteria provided, single submitter. Criteria: CeGaT Center For Human Genetics Tuebingen Variant Classification Criteria Version 2. Collection method: clinical testing. Allele origin: germline. Affected: yes. Observed: 1 variant allele.
Comment: MYO15A: BP4, BP7

Blueprint Genetics
Classification: Likely benign. Last evaluated: 2024-03-11. Review status: criteria provided, single submitter. Criteria: ACMG Guidelines, 2015. Collection method: clinical testing. Allele origin: germline.

Breakthrough Genomics
Classification: Benign. Review status: criteria provided, single submitter. Criteria: ACMG Guidelines, 2015. Collection method: not provided. Allele origin: germline. Inheritance: Autosomal recessive inheritance. Affected: yes.

NM_016239.4(MYO15A):c.7467C>T (p.Pro2489=)

Gene: MYO15A (myosin XVA; plus strand). Cytogenetic location: 17p11.2.
Variant type: single nucleotide variant.
Coding change: c.7467C>T on transcript NM_016239.4 (MANE Select); coding-DNA position 7467, C replaced by T.
Protein change: p.Pro2489=; no amino-acid change (proline 2489 retained).
Molecular consequence: synonymous variant.
Genome position (GRCh38, 1-based): chr17:18,150,907, C>T. VCF-style: chr17-18150907-C-T. GRCh37 (hg19) VCF-style: chr17-18054221-C-T.
Identifiers: ClinVar variation 739908 (VCV000739908.27), dbSNP rs146973735, ClinGen allele CA8424847.
Genomic context (GRCh38, chr17:18,150,907, plus strand): 5'-GACCCTGCAGGCCACGGCACTCCAGCAGCAGCCCCTGAGTGCTGCCCTGAGATCCTTGCC[C>T]GCAGAGGTGAGCCTGGCCTGCCCAGGGTGCAGGGGTTGCTTGGAGACACAAGCTGTAAAG-3'
Protein context (NP_057323.3, residues 2479-2499): QPLSAALRSL[Pro2489=]AEKPPAPEAQ